The following is an entry in ClinVar:

NM_000038.6(APC):c.1312A>C (p.Met438Leu)

Gene: APC (APC regulator of Wnt signaling pathway; plus strand). Cytogenetic location: 5q22.2.
Variant type: single nucleotide variant.
Coding change: c.1312A>C on transcript NM_000038.6 (MANE Select); coding-DNA position 1312, A replaced by C.
Protein change: p.Met438Leu; replaces methionine 438 with leucine.
Molecular consequence: missense variant. On other transcripts: non-coding transcript variant (2).
Genome position (GRCh38, 1-based): chr5:112,819,344, A>C. VCF-style: chr5-112819344-A-C. GRCh37 (hg19) VCF-style: chr5-112155041-A-C.
Other names: c.1009A>C, p.Met337Leu (NM_001407455.1, NM_001407456.1, NM_001407457.1 and 5 more transcripts); c.925A>C, p.Met309Leu (NM_001407469.1, NM_001407467.1); c.1237A>C, p.Met413Leu (NM_001407451.1, NM_001354898.2); c.1228A>C, p.Met410Leu (NM_001407452.1, NM_001354899.2); c.1135A>C, p.Met379Leu (NM_001407453.1, NM_001354900.2, NM_001354901.2); c.463A>C, p.Met155Leu (NM_001407470.1, NM_001354906.2); c.160A>C, p.Met54Leu (NM_001407471.1, NM_001407472.1); c.1312A>C, p.Met438Leu (NM_001127510.3, NM_001354895.2, NM_001354896.2 and 4 more transcripts); and 5 more; short protein forms M155L, M278L, M309L, M312L, M337L, M347L, M379L, M410L.
Identifiers: ClinVar variation 3232052 (VCV003232052.1), dbSNP rs1580532005, ClinGen allele CA16024177.

ClinVar aggregate classification (germline): Uncertain significance (1 of 4 stars; one submission).

Conditions:
Hereditary cancer-predisposing syndrome. Also called: Neoplastic Syndromes, Hereditary; Tumor predisposition; Hereditary neoplastic syndrome; Hereditary Cancer Syndrome. Identifiers: Orphanet 140162, MedGen C0027672, MeSH D009386, MONDO:0015356.

Submission:

Ambry Genetics
Classification: Uncertain significance for Hereditary cancer-predisposing syndrome. Last evaluated: 2023-11-15. Review status: criteria provided, single submitter. Criteria: Ambry Variant Classification Scheme 2023. Collection method: clinical testing. Allele origin: germline.
Comment: The p.M438L variant (also known as c.1312A>C), located in coding exon 9 of the APC gene, results from a A to C substitution at nucleotide position 1312. The methionine at codon 438 is replaced by leucine, an amino acid with highly similar properties. This amino acid position is highly conserved in available vertebrate species. In addition, in silico predictors for this gene do not accurately predict pathogenicity. Since supporting evidence is limited at this time, the clinical significance of this alteration remains unclear.